The following is an entry in ClinVar:

NM_138694.4(PKHD1):c.2770C>T (p.Gln924Ter)

Gene: PKHD1 (PKHD1 ciliary IPT domain containing fibrocystin/polyductin; minus strand). Cytogenetic location: 6p12.2.
Variant type: single nucleotide variant.
Coding change: c.2770C>T on transcript NM_138694.4 (MANE Select); coding-DNA position 2770, C replaced by T.
Protein change: p.Gln924Ter; replaces glutamine 924 with a stop codon.
Molecular consequence: nonsense.
Genome position (GRCh38, 1-based): chr6:52,043,676, G>A on the plus strand (C>T on the coding strand, the complement: PKHD1 is on the minus strand). VCF-style: chr6-52043676-G-A. GRCh37 (hg19) VCF-style: chr6-51908474-G-A.
Other names: c.2770C>T, p.Gln924Ter (NM_170724.3); short protein forms Q924*.
Identifiers: ClinVar variation 1802078 (VCV001802078.4), dbSNP rs1421561848, ClinGen allele CA364442614.

ClinVar aggregate classification (germline): Pathogenic. Review status: criteria provided, multiple submitters, no conflicts (2 of 4 stars). 4 submissions from 4 submitters: Pathogenic (3). 1 of the submissions does not count toward it. Last evaluated 2024-01-22.

Conditions:
Autosomal recessive polycystic kidney disease (ARPKD). Also called: AR polycystic kidney disease. Identifiers: Orphanet 731, Orphanet 8378, MedGen C0085548, MeSH D017044, MONDO:0009889.
Polycystic kidney disease 4 (PKD4). Also called: PKD3; Autosomal Recessive Polycystic Kidney Disease – PKHD1; POLYCYSTIC KIDNEY AND HEPATIC DISEASE 1; POLYCYSTIC KIDNEY DISEASE, INFANTILE, TYPE I; POLYCYSTIC KIDNEY DISEASE 4 WITH OR WITHOUT POLYCYSTIC LIVER DISEASE. Identifiers: MedGen C4540575, MONDO:0033004, OMIM 263200.

Allele frequency attached by ClinVar (database versions not stated): gnomAD exomes below 0.00001.
gnomAD v4.1: 1 of 1,613,562 alleles (0.000062%); highest among the groups gnomAD compares: East Asian, 0.0022%; no homozygotes.

Submissions (4):

Baylor Genetics
Classification: Pathogenic for Polycystic kidney disease 4. Last evaluated: 2024-01-22. Review status: criteria provided, single submitter. Criteria: ACMG Guidelines, 2015. Collection method: clinical testing. Allele origin: unknown.

Victorian Clinical Genetics Services, Murdoch Childrens Research Institute
Classification: Pathogenic for Polycystic kidney disease 4. Last evaluated: 2022-06-24. Review status: criteria provided, single submitter. Criteria: ACMG Guidelines, 2015. Collection method: clinical testing. Allele origin: germline. Inheritance: Autosomal recessive inheritance. Affected: yes.
Comment: Based on the classification scheme VCGS_Germline_v1.3.4, this variant is classified as Pathogenic. Following criteria are met: 0102 - Loss of function is a known mechanism of disease in this gene and is associated with polycystic kidney disease 4, with or without hepatic disease (MIM#263200). (I) 0106 - This gene is associated with autosomal recessive disease. (I) 0115 - Variants in this gene are known to have variable expressivity. Significant intrafamilial variation of severity has been reported for this gene (GeneReviews). (I) 0201 - Variant is predicted to cause nonsense-mediated decay (NMD) and loss of protein (premature termination codon is located at least 54 nucleotides upstream of the final exon-exon junction). (SP) 0251 - This variant is heterozygous. (I) 0304 - Variant is present in gnomAD <0.01 for a recessive condition (1 heterozygote, 0 homozygotes). (SP) 0701 - Other variants predicted to result in a premature termination codon comparable to the one identified in this case have very strong previous evidence for pathogenicity. Many NMD-predicted variants have been reported as likely pathogenic/pathogenic (ClinVar). (SP) 0803 - This variant has limited previous evidence of pathogenicity in an unrelated individual. It has been reported in a compound heterozygous state in an individual with severe autosomal recessive polycystic kidney disease (PMID: 32384486). (I) Legend: (SP) - Supporting pathogenic, (I) - Information, (SB) - Supporting benign

GeneDx
Classification: Pathogenic. Last evaluated: 2022-06-02. Review status: criteria provided, single submitter. Criteria: GeneDx Variant Classification Process June 2021. Collection method: clinical testing. Allele origin: germline. Affected: yes.
Comment: Nonsense variant predicted to result in protein truncation or nonsense mediated decay in a gene for which loss of function is a known mechanism of disease; Not observed at significant frequency in large population cohorts (gnomAD); This variant is associated with the following publications: (PMID: Byun_2015_article, 32384486)

Natera, Inc.
Classification: Pathogenic for Autosomal recessive polycystic kidney disease. Last evaluated: 2025-03-18. Review status: no assertion criteria provided. Collection method: clinical testing. Allele origin: germline. Not counted in ClinVar's aggregate classification.

Literature cited by the submitters: PubMed 32384486 (cited by Victorian Clinical Genetics Services, Murdoch Childrens Research Institute).